The following is an entry in ClinVar:

NM_032608.7(MYO18B):c.4793G>A (p.Arg1598Gln)

Genes: MYO18B (myosin XVIIIB; plus strand), MYO18B-AS1 (MYO18B antisense RNA 1; minus strand). Cytogenetic location: 22q12.1.
Variant type: single nucleotide variant.
Coding change: c.4793G>A on transcript NM_032608.7 (MANE Select); coding-DNA position 4793, G replaced by A.
Protein change: p.Arg1598Gln; replaces arginine 1598 with glutamine.
Molecular consequence: missense variant.
Genome position (GRCh38, 1-based): chr22:25,898,431, G>A. VCF-style: chr22-25898431-G-A. GRCh37 (hg19) VCF-style: chr22-26294398-G-A.
Other names: c.4796G>A, p.Arg1599Gln (NM_001318245.2); short protein forms R1598Q, R1599Q.
Identifiers: ClinVar variation 2994537 (VCV002994537.3), dbSNP rs370392393, ClinGen allele CA10160979.

ClinVar aggregate classification (germline): Uncertain significance (1 of 4 stars; one submission).

Allele frequency attached by ClinVar (database versions not stated): ExAC 0.00007; gnomAD 0.00003; TOPMed 0.00002; ESP Exome Variant Server 0.00008.
gnomAD v4.1: 48 of 1,613,644 alleles (0.003%); highest among the groups gnomAD compares: Non-Finnish European, 0.0036%; no homozygotes.

Submission:

Labcorp Genetics (formerly Invitae), Labcorp
Classification: Uncertain significance. Last evaluated: 2025-03-31. Review status: criteria provided, single submitter. Criteria: Invitae Variant Classification Sherloc (09022015). Collection method: clinical testing. Allele origin: germline.
Comment: This sequence change replaces arginine, which is basic and polar, with glutamine, which is neutral and polar, at codon 1598 of the MYO18B protein (p.Arg1598Gln). This variant is present in population databases (rs370392393, gnomAD 0.009%). This variant has not been reported in the literature in individuals affected with MYO18B-related conditions. ClinVar contains an entry for this variant (Variation ID: 2994537). An algorithm developed to predict the effect of missense changes on protein structure and function (PolyPhen-2) suggests that this variant is likely to be disruptive. In summary, the available evidence is currently insufficient to determine the role of this variant in disease. Therefore, it has been classified as a Variant of Uncertain Significance.